The following is an entry in ClinVar:

NM_018979.4(WNK1):c.3991C>T (p.Pro1331Ser)

Gene: WNK1 (WNK lysine deficient protein kinase 1; plus strand). Cytogenetic location: 12p13.33.
Variant type: single nucleotide variant.
Coding change: c.3991C>T on transcript NM_018979.4 (MANE Select); coding-DNA position 3991, C replaced by T.
Protein change: p.Pro1331Ser; replaces proline 1331 with serine.
Molecular consequence: missense variant.
Genome position (GRCh38, 1-based): chr12:884,795, C>T. VCF-style: chr12-884795-C-T. GRCh37 (hg19) VCF-style: chr12-993961-C-T.
Other names: c.4771C>T, p.Pro1591Ser (NM_001184985.2); c.3250C>T, p.Pro1084Ser (NM_014823.3); c.4747C>T, p.Pro1583Ser (NM_213655.5); short protein forms P1331S, P1583S, P1591S, P1084S.
Identifiers: ClinVar variation 567278 (VCV000567278.12), dbSNP rs200513331, ClinGen allele CA231478997.
Genomic context (GRCh38, chr12:884,795, plus strand): 5'-AGACGTGCCCAAATGACAGAAGGACCCAACACAGCACCTCCAAACTTTAGTCATACAGGA[C>T]CAACATTTCCAGTAGTACCTCCTTTCTTAAGTAGCATTGCTGGAGTCCCAACCACAGCAG-3'
Protein context (NP_061852.3, residues 1321-1341): TAPPNFSHTG[Pro1331Ser]TFPVVPPFLS

ClinVar aggregate classification (germline): Uncertain significance. Review status: criteria provided, multiple submitters, no conflicts (2 of 4 stars). 4 submissions from 4 submitters: Uncertain significance (4). Last evaluated 2024-05-08.

Conditions:
WNK1-related disorder. Also called: WNK1-related condition.
Neuropathy, hereditary sensory and autonomic, type 2A (HSAN2A). Also called: HSAN IIA; ACROOSTEOLYSIS, GIACCAI TYPE; ACROOSTEOLYSIS, NEUROGENIC; WNK1-Related HSAN2 (HSAN2A); MORVAN DISEASE; NEUROPATHY, CONGENITAL SENSORY. Identifiers: Orphanet 970, MedGen C2752089, MONDO:0024309, OMIM 201300.
Pseudohypoaldosteronism type 2C (PHA2C). Also called: Pseudohypoaldosteronism Type IIC. Identifiers: Orphanet 757, Orphanet 88940, MedGen C1840391, MONDO:0013778, OMIM 614492.

Allele frequency attached by ClinVar (database versions not stated): TOPMed 0.00002.
gnomAD v4.1: 56 of 1,614,090 alleles (0.0035%); highest among the groups gnomAD compares: Non-Finnish European, 0.0042%; no homozygotes.

Submissions (4):

Labcorp Genetics (formerly Invitae), Labcorp
Classification: Uncertain significance for Neuropathy, hereditary sensory and autonomic, type 2A; Pseudohypoaldosteronism type 2C. Last evaluated: 2024-05-08. Review status: criteria provided, single submitter. Criteria: Invitae Variant Classification Sherloc (09022015). Collection method: clinical testing. Allele origin: germline.
Comment: This sequence change replaces proline, which is neutral and non-polar, with serine, which is neutral and polar, at codon 1583 of the WNK1 protein (p.Pro1583Ser). This variant is present in population databases (rs200513331, gnomAD 0.002%). This variant has not been reported in the literature in individuals affected with WNK1-related conditions. ClinVar contains an entry for this variant (Variation ID: 567278). Advanced modeling of protein sequence and biophysical properties (such as structural, functional, and spatial information, amino acid conservation, physicochemical variation, residue mobility, and thermodynamic stability) performed at Invitae indicates that this missense variant is not expected to disrupt WNK1 protein function with a negative predictive value of 95%. In summary, the available evidence is currently insufficient to determine the role of this variant in disease. Therefore, it has been classified as a Variant of Uncertain Significance.

PreventionGenetics, part of Exact Sciences
Classification: Uncertain significance for WNK1-related condition. Last evaluated: 2022-09-13. Review status: criteria provided, single submitter. Criteria: ACMG Guidelines, 2015. Collection method: clinical testing. Allele origin: germline.
Comment: The WNK1 c.3991C>T variant is predicted to result in the amino acid substitution p.Pro1331Ser. To our knowledge, this variant has not been reported in the literature. This variant is reported in 0.0015% of alleles in individuals of European (Non-Finnish) descent in gnomAD. At this time, the clinical significance of this variant is uncertain due to the absence of conclusive functional and genetic evidence.

Fulgent Genetics
Classification: Uncertain significance for Neuropathy, hereditary sensory and autonomic, type 2A; Pseudohypoaldosteronism type 2C. Last evaluated: 2022-01-04. Review status: criteria provided, single submitter. Criteria: ACMG Guidelines, 2015. Collection method: clinical testing. Allele origin: unknown.

Athena Diagnostics
Classification: Uncertain significance. Last evaluated: 2018-08-07. Review status: criteria provided, single submitter. Criteria: Athena Diagnostics Criteria. Collection method: clinical testing. Allele origin: germline.